The following is an entry in ClinVar:

NM_203290.4(POLR1C):c.470C>G (p.Ser157Cys)

Gene: POLR1C (RNA polymerase I and III subunit C; plus strand). Cytogenetic location: 6p21.1.
Variant type: single nucleotide variant.
Coding change: c.470C>G on transcript NM_203290.4 (MANE Select); coding-DNA position 470, C replaced by G.
Protein change: p.Ser157Cys; replaces serine 157 with cysteine.
Molecular consequence: missense variant.
Genome position (GRCh38, 1-based): chr6:43,520,153, C>G. VCF-style: chr6-43520153-C-G. GRCh37 (hg19) VCF-style: chr6-43487891-C-G.
Other names: c.470C>G, p.Ser157Cys (NM_001318876.2, NM_001363658.2); short protein forms S157C.
Identifiers: ClinVar variation 1480731 (VCV001480731.3), dbSNP rs750595496, ClinGen allele CA3825445.

ClinVar aggregate classification (germline): Uncertain significance (1 of 4 stars; one submission).

Allele frequency attached by ClinVar (database versions not stated): gnomAD exomes 0.00003 and 0.00004; ExAC 0.00004; gnomAD 0.00005 and 0.00006.
gnomAD v4.1: 70 of 1,614,096 alleles (0.0043%); highest among the groups gnomAD compares: Non-Finnish European, 0.0058%; no homozygotes.

Submission:

Labcorp Genetics (formerly Invitae), Labcorp
Classification: Uncertain significance. Last evaluated: 2021-10-10. Review status: criteria provided, single submitter. Criteria: Invitae Variant Classification Sherloc (09022015). Collection method: clinical testing. Allele origin: germline.
Comment: This sequence change replaces serine with cysteine at codon 157 of the POLR1C protein (p.Ser157Cys). The serine residue is moderately conserved and there is a moderate physicochemical difference between serine and cysteine. This variant is present in population databases (rs750595496, ExAC 0.007%). This variant has not been reported in the literature in individuals affected with POLR1C-related conditions. Algorithms developed to predict the effect of missense changes on protein structure and function are either unavailable or do not agree on the potential impact of this missense change (SIFT: "Not Available"; PolyPhen-2: "Possibly Damaging"; Align-GVGD: "Not Available"). In summary, the available evidence is currently insufficient to determine the role of this variant in disease. Therefore, it has been classified as a Variant of Uncertain Significance.